The following is an entry in ClinVar:

NM_000218.3(KCNQ1):c.1686del

Gene: KCNQ1 (potassium voltage-gated channel subfamily Q member 1; plus strand). Cytogenetic location: 11p15.5.
Variant type: Deletion.
Coding change: c.1686del on transcript NM_000218.3 (MANE Select); coding-DNA position 1686, one base deleted (G; older notation c.1686delG).
Molecular consequence: splice acceptor variant.
Genome position (GRCh38, 1-based): chr11:2,776,986, G deleted; the last of 2 consecutive G bases (chr11:2,776,985-2,776,986); deleting either gives the same sequence. VCF-style (leftmost placement, unchanged base first): chr11-2776984-AG-A. GRCh37 (hg19) VCF-style: chr11-2798214-AG-A.
Other names: c.1686del (NM_000218.2).
Identifiers: ClinVar variation 200888 (VCV000200888.27), dbSNP rs794728562, ClinGen allele CA006189.

ClinVar aggregate classification (germline): Pathogenic/Likely pathogenic. Review status: criteria provided, multiple submitters, no conflicts (2 of 4 stars). 6 submissions from 6 submitters: Pathogenic (2); Likely pathogenic (4). Last evaluated 2026-01-12.

Conditions:
Cardiac arrhythmia. Also called: Arrhythmia; Cardiac rhythm disease. Identifiers: MedGen C0003811, MONDO:0007263, HP:0011675.
Familial long QT syndrome (RWS). Also called: VENTRICULAR FIBRILLATION WITH PROLONGED QT INTERVAL; Romano-Ward syndrome; Congenital long QT syndrome. Identifiers: Orphanet 768, MedGen C1141890, MONDO:0019171.
Long QT syndrome (LQTS). Identifiers: MedGen C0023976, MeSH D008133, MONDO:0002442. Disease mechanism: loss of function. Inheritance: Various modes of inheritance.
Cardiovascular phenotype. Identifiers: MedGen CN230736.

Submissions (6):

GeneDx
Classification: Likely pathogenic. Last evaluated: 2026-01-12. Review status: criteria provided, single submitter. Criteria: GeneDx Variant Classification Process June 2021. Collection method: clinical testing. Allele origin: germline. Affected: yes.
Comment: Frameshift variant predicted to result in protein truncation, as the last 115 amino acids are replaced with 30 different amino acids, and other loss-of-function variants have been reported downstream in the Human Gene Mutation Database (HGMD); Not observed at significant frequency in large population cohorts (gnomAD); This variant is associated with the following publications: (PMID: 23631430)

Labcorp Genetics (formerly Invitae), Labcorp
Classification: Pathogenic for Long QT syndrome. Last evaluated: 2026-01-06. Review status: criteria provided, single submitter. Criteria: Invitae Variant Classification Sherloc (09022015). Collection method: clinical testing. Allele origin: germline.
Comment: This sequence change creates a premature translational stop signal (p.Arg562Serfs*31) in the KCNQ1 gene. While this is not anticipated to result in nonsense mediated decay, it is expected to disrupt the last 115 amino acid(s) of the KCNQ1 protein. This variant is not present in population databases (gnomAD no frequency). This premature translational stop signal has been observed in individual(s) with long QT syndrome (PMID: 23631430). ClinVar contains an entry for this variant (Variation ID: 200888). Algorithms developed to predict the effect of sequence changes on RNA splicing suggest that this variant may disrupt the consensus splice site. This variant disrupts a region of the KCNQ1 protein in which other variant(s) (p.Arg632Glnfs*20) have been determined to be pathogenic (PMID: 10024302, 23098067, 23631430, 25187895). This suggests that this is a clinically significant region of the protein, and that variants that disrupt it are likely to be disease-causing. For these reasons, this variant has been classified as Pathogenic.

All of Us Research Program, National Institutes of Health
Classification: Likely pathogenic for Long QT syndrome. Last evaluated: 2024-09-27. Review status: criteria provided, single submitter. Criteria: ACMG Guidelines, 2015. Collection method: clinical testing. Allele origin: germline. Inheritance: Autosomal dominant inheritance. Observed: 2 variant alleles, 2 heterozygotes.
Comment: This variant causes a deletion of 1 nucleotide in exon 16 of the KCNQ1 gene, creating a frameshift and premature translation stop signal in the last exon. The mutant transcript is expected to escape nonsense-mediated decay and be expressed as a protein product with the last 115 amino acids replaced with 30 different amino acids. The variant is expected to alter the sequence of C-terminal cytoplasmic domain (a.a. 588-622), which is important for protein function (PMID: 10654932, 18165683, 19693805, 19825999). This variant has been reported in an individual affected with long QT syndrome (PMID: 23631430). This variant has not been identified in the general population by the Genome Aggregation Database (gnomAD). Loss of KCNQ1 function is a known mechanism of disease. Based on the available evidence, this variant is classified as Likely Pathogenic.

This study involves interpretation of variants in research participants for the purpose of population health screening. Participant phenotype was not available at the time of variant classification. Additional details can be found in publication PMID: 35346344, PMCID: PMC8962531

Ambry Genetics
Classification: Pathogenic for Cardiovascular phenotype. Last evaluated: 2023-09-14. Review status: criteria provided, single submitter. Criteria: Ambry Variant Classification Scheme 2023. Collection method: clinical testing. Allele origin: germline.
Comment: The c.1686delG pathogenic mutation, located in coding exon 14 of the KCNQ1 gene, results from a deletion of one nucleotide at nucleotide position 1686, causing a translational frameshift with a predicted alternate stop codon (p.R562Sfs*31). This alteration occurs at the 3' terminus of theKCNQ1 gene, is not expected to trigger nonsense-mediated mRNA decay, and impacts the last 12% of the protein. However, premature stop codons are typically deleterious in nature and the impacted region is critical for protein function (Ambry internal data). This alteration has been reported in a long QT syndrome genetic testing cohort (Lieve KV et al. Genet Test Mol Biomarkers, 2013 Jul;17:553-61). This variant is considered to be rare based on population cohorts in the Genome Aggregation Database (gnomAD). Based on the supporting evidence, this alteration is interpreted as a disease-causing mutation.

Color Diagnostics, LLC DBA Color Health
Classification: Likely pathogenic for Cardiac arrhythmia. Last evaluated: 2023-04-05. Review status: criteria provided, single submitter. Criteria: ACMG Guidelines, 2015. Collection method: clinical testing. Allele origin: germline.
Comment: This variant causes a deletion of 1 nucleotide in exon 16 of the KCNQ1 gene, creating a frameshift and premature translation stop signal in the last exon. The mutant transcript is expected to escape nonsense-mediated decay and be expressed as a protein product with the last 115 amino acids replaced with 30 different amino acids. The variant is expected to alter the sequence of C-terminal cytoplasmic domain (a.a. 588-622), which is important for protein function (PMID: 10654932, 18165683, 19693805, 19825999). This variant has been reported in an individual affected with long QT syndrome (PMID: 23631430). This variant has not been identified in the general population by the Genome Aggregation Database (gnomAD). Loss of KCNQ1 function is a known mechanism of disease. Based on the available evidence, this variant is classified as Likely Pathogenic.

Laboratory for Molecular Medicine, Mass General Brigham Personalized Medicine
Classification: Likely pathogenic for Familial long QT syndrome. Last evaluated: 2020-02-07. Review status: criteria provided, single submitter. Criteria: LMM Criteria. Collection method: clinical testing. Allele origin: germline. Inheritance: Autosomal dominant inheritance. Observed: 1 variant allele.
Comment: The p.Arg562SerfsX31 variant in KCNQ1 has been reported in 1 individual with suspected long QT syndrome (LQTS; Lieve 2013) was absent from large population studies. It has also been reported by other clinical laboratories in ClinVar (Variation ID# 200888). This variant is predicted to cause a frameshift, which alters the proteinâ€™s amino acid sequence beginning at position 562 and leads to a premature termination codon 31 amino acids downstream. The location of this premature termination codon is within the terminal 50 bases of the second to last exon and is therefore more likely to escape nonsense mediated decay (NMD) and result in a truncated protein that is missing ~13% of the coding region, with 85 amino acids removed. Truncating variants in KCNQ1 downstream of this position have been reported in individuals with LQTS. In summary, although additional studies are required to fully establish its clinical significance, this variant meets criteria to be classified as likely pathogenic for autosomal dominant LQTS. ACMG/AMP Criteria applied: PVS1_Strong, PM2.

Literature cited by the submitters: PubMed 23631430 (cited by 5 submitters); PubMed 10024302 (cited by Labcorp Genetics (formerly Invitae), Labcorp); PubMed 23098067 (cited by Labcorp Genetics (formerly Invitae), Labcorp); PubMed 25187895 (cited by Labcorp Genetics (formerly Invitae), Labcorp); PubMed 10654932 (cited by All of Us Research Program, National Institutes of Health and Color Diagnostics, LLC DBA Color Health); PubMed 18165683 (cited by All of Us Research Program, National Institutes of Health and Color Diagnostics, LLC DBA Color Health); PubMed 19693805 (cited by All of Us Research Program, National Institutes of Health and Color Diagnostics, LLC DBA Color Health); PubMed 19825999 (cited by All of Us Research Program, National Institutes of Health and Color Diagnostics, LLC DBA Color Health).